The following is an entry in ClinVar:

NM_001111125.3(IQSEC2):c.1328G>A (p.Gly443Asp)

Gene: IQSEC2 (IQ motif and Sec7 domain ArfGEF 2; minus strand). Cytogenetic location: Xp11.22.
Variant type: single nucleotide variant.
Coding change: c.1328G>A on transcript NM_001111125.3 (MANE Select); coding-DNA position 1328, G replaced by A.
Protein change: p.Gly443Asp; replaces glycine 443 with aspartic acid.
Molecular consequence: missense variant.
Genome position (GRCh38, 1-based): chrX:53,254,603, C>T on the plus strand (G>A on the coding strand, the complement: IQSEC2 is on the minus strand). VCF-style: chrX-53254603-C-T. GRCh37 (hg19) VCF-style: chrX-53283785-C-T.
Other names: c.1328G>A, p.Gly443Asp (NM_001410736.1); c.713G>A, p.Gly238Asp (NM_015075.2); short protein forms G238D, G443D.
Identifiers: ClinVar variation 3368977 (VCV003368977.1).

ClinVar aggregate classification (germline): Uncertain significance (1 of 4 stars; one submission).

gnomAD v4.1: 2 of 1,193,369 alleles (0.00017%); highest among the groups gnomAD compares: Non-Finnish European, 0.00023%; no homozygotes.

Submission:

GeneDx
Classification: Uncertain significance. Last evaluated: 2024-02-07. Review status: criteria provided, single submitter. Criteria: GeneDx Variant Classification Process June 2021. Collection method: clinical testing. Allele origin: germline. Affected: yes.
Comment: Not observed at significant frequency in large population cohorts (gnomAD); In silico analysis supports that this missense variant does not alter protein structure/function; Has not been previously published as pathogenic or benign to our knowledge